The following is an entry in ClinVar:

NM_007294.4(BRCA1):c.80+952dup

Gene: BRCA1 (BRCA1 DNA repair associated; minus strand). Cytogenetic location: 17q21.31.
Variant type: Duplication.
Coding change: c.80+952dup on transcript NM_007294.4 (MANE Select); 952 bases into the intron after coding-DNA position 80, one base duplicated (T; older notation c.80+952dupT).
Molecular consequence: intron variant.
Genome position (GRCh38, 1-based): chr17:43,123,065, A duplicated on the plus strand (T on the coding strand, the reverse complement: BRCA1 is on the minus strand); the first of 9 consecutive A bases (chr17:43,123,065-43,123,073); duplicating any one gives the same sequence. VCF-style (leftmost placement, unchanged base first): chr17-43123064-G-GA. GRCh37 (hg19) VCF-style: chr17-41275081-G-GA.
Other names: IVS 2+952insT; c.80+952_80+953insT (NM_007294.3); c.-61-7286dup (NM_001408458.1); c.-219+2212dup (NM_001407967.1); c.-170+2212dup (NM_001407959.1); c.-8+2212dup (NM_001407931.1, NM_001407747.1); c.-224+2212dup (NM_001407962.1, NM_001408512.1, NM_001408510.1); c.-109+2212dup (NM_001407885.1); and 25 more.
Identifiers: ClinVar variation 209569 (VCV000209569.2), dbSNP rs149141411, ClinGen allele CA276538.

ClinVar aggregate classification (germline): Benign (3 of 4 stars; one submission).

Conditions:
Breast-ovarian cancer, familial, susceptibility to, 1 (BROVCA1). Also called: BRCA1 Hereditary Breast and Ovarian Cancer; OVARIAN CANCER, SUSCEPTIBILITY TO. Identifiers: Orphanet 145, MedGen C2676676, MONDO:0011450, OMIM 604370. Disease mechanism: loss of function.

Submission:

Evidence-based Network for the Interpretation of Germline Mutant Alleles (ENIGMA)
Classification: Benign for Breast-ovarian cancer, familial 1. Last evaluated: 2015-01-12. Review status: reviewed by expert panel. Criteria: ENIGMA BRCA1/2 Classification Criteria (2015). Collection method: curation. Allele origin: germline.
Comment: Class 1 not pathogenic based on frequency >1% in an outbred sampleset. Frequency 0.3 (Asian), 0.12 (African), 0.32 (European), derived from 1000 genomes (2012-04-30).